The following is an entry in ClinVar:

ClinVar aggregate classification (germline): Uncertain significance (1 of 4 stars; one submission).

Conditions:
Intellectual disability-severe speech delay-mild dysmorphism syndrome (IDDLA). Also called: Mental retardation with language impairment and autistic features; FOXP1 Syndrome; Intellectual developmental disorder with language impairment AND with or without autistic features. Identifiers: Orphanet 391372, MedGen C4013764, MONDO:0013352, OMIM 613670.

Allele frequency attached by ClinVar (database versions not stated): gnomAD exomes below 0.00001.
gnomAD v4.1: 1 of 1,614,102 alleles (0.000062%); no homozygotes.

Submission:

Victorian Clinical Genetics Services, Murdoch Childrens Research Institute
Classification: Uncertain significance for Intellectual disability-severe speech delay-mild dysmorphism syndrome. Last evaluated: 2019-08-28. Review status: criteria provided, single submitter. Criteria: ACMG Guidelines, 2015. Collection method: clinical testing. Allele origin: germline. Inheritance: Autosomal dominant inheritance. Affected: yes.
Comment: A heterozygous missense variant, NM_032682.5(FOXP1):c.381G>C, has been identified in exon 8 of 21 of the FOXP1 gene. The variant is predicted to result in a minor amino acid change from glutamine to histidine at position 127 of the protein (NP_116071.2(FOXP1):p.(Gln127His)). The glutamine residue at this position has very high conservation (100 vertebrates, UCSC), but is not located within a well established functional domain. In silico predictions for this variant are consistently pathogenic (Polyphen, SIFT, CADD, Mutation Taster). The variant is absent in the gnomAD population database. This variant has not been previously reported in clinical cases. Based on the information available at the time of curation, this variant has been classified as VARIANT of UNCERTAIN SIGNIFICANCE (VUS).

NM_001349338.3(FOXP1):c.381G>C (p.Gln127His)

Gene: FOXP1 (forkhead box P1; minus strand). Cytogenetic location: 3p13.
Variant type: single nucleotide variant.
Coding change: c.381G>C on transcript NM_001349338.3 (MANE Select); coding-DNA position 381, G replaced by C.
Protein change: p.Gln127His; replaces glutamine 127 with histidine.
Molecular consequence: missense variant. On other transcripts: non-coding transcript variant (2), intron variant (1).
Genome position (GRCh38, 1-based): chr3:71,053,675, C>G on the plus strand (G>C on the coding strand, the complement: FOXP1 is on the minus strand). VCF-style: chr3-71053675-C-G. GRCh37 (hg19) VCF-style: chr3-71102826-C-G.
Other names: c.381G>C, p.Gln127His (NM_001244808.3, NM_001244810.2, NM_001244814.3 and 5 more transcripts); c.81G>C, p.Gln27His (NM_001244813.3, NM_001244815.2, NM_001349337.2 and 4 more transcripts); c.283-6580G>C (NM_001244812.3); short protein forms Q127H, Q27H.
Identifiers: ClinVar variation 1806225 (VCV001806225.1), dbSNP rs1165655870, ClinGen allele CA353563945.
Genomic context (GRCh38, chr3:71,053,675, plus strand): 5'-AGGTGGAGGAAGGACAATTACCTGTTGAAGCATGAGGGCCTGCTGCTGCTGGAGGAGAAC[C>G]TGGAGCTGCTGAGGGCTCAGCACTTGTTGCTGGAGGATCTGCTGCATTTGCTGGGGAGTG-3'
Protein context (NP_001336267.1, residues 117-137): QQQVLSPQQL[Gln127His]VLLQQQQALM